The following is an entry in ClinVar:

ClinVar aggregate classification (germline): Conflicting classifications of pathogenicity. Review status: criteria provided, conflicting classifications (1 of 4 stars). 4 submissions from 4 submitters: Uncertain significance (1); Likely benign (2). 1 of the submissions does not count toward it. Last evaluated 2025-02-27.

Conditions:
Nemaline myopathy 2 (NEM2). Also called: Nemaline myopathy 2, autosomal recessive. Identifiers: MedGen C1850569, MONDO:0009725, OMIM 256030.

Allele frequency attached by ClinVar (database versions not stated): TOPMed 0.00003; gnomAD 0.00004; gnomAD exomes 0.00005; ExAC 0.00011; 1000 Genomes Project 0.00020; 1000 Genomes Project 30x 0.00031.
gnomAD v4.1: 50 of 1,609,074 alleles (0.0031%); highest among the groups gnomAD compares: East Asian, 0.0067%; no homozygotes.

Submissions (4):

Labcorp Genetics (formerly Invitae), Labcorp
Classification: Likely benign for Nemaline myopathy 2. Last evaluated: 2025-02-27. Review status: criteria provided, single submitter. Criteria: Invitae Variant Classification Sherloc (09022015). Collection method: clinical testing. Allele origin: germline.

Illumina Laboratory Services, Illumina
Classification: Uncertain significance for Nemaline myopathy 2. Last evaluated: 2018-01-13. Review status: criteria provided, single submitter. Criteria: ICSL Variant Classification Criteria 13 December 2019. Collection method: clinical testing. Allele origin: germline.

GeneDx
Classification: Likely benign. Last evaluated: 2016-10-26. Review status: criteria provided, single submitter. Criteria: GeneDx Variant Classification (06012015). Collection method: clinical testing. Allele origin: germline. Affected: yes.
Comment: This variant is considered likely benign or benign based on one or more of the following criteria: it is a conservative change, it occurs at a poorly conserved position in the protein, it is predicted to be benign by multiple in silico algorithms, and/or has population frequency not consistent with disease.

Natera, Inc.
Classification: Likely benign for Nemaline myopathy type 2. Last evaluated: 2020-09-16. Review status: no assertion criteria provided. Collection method: clinical testing. Allele origin: germline. Not counted in ClinVar's aggregate classification.

NM_001164508.2(NEB):c.17415C>T (p.Tyr5805=)

Gene: NEB (nebulin; minus strand). Cytogenetic location: 2q23.3.
Variant type: single nucleotide variant.
Coding change: c.17415C>T on transcript NM_001164508.2 (MANE Select); coding-DNA position 17415, C replaced by T.
Protein change: p.Tyr5805=; no amino-acid change (tyrosine 5805 retained).
Molecular consequence: synonymous variant.
Genome position (GRCh38, 1-based): chr2:151,570,096, G>A on the plus strand (C>T on the coding strand, the complement: NEB is on the minus strand). VCF-style: chr2-151570096-G-A. GRCh37 (hg19) VCF-style: chr2-152426610-G-A.
Other names: c.17415C>T, p.Tyr5805= (NM_001164507.2, NM_001271208.2); c.12312C>T, p.Tyr4104= (NM_004543.5).
Identifiers: ClinVar variation 331466 (VCV000331466.18), dbSNP rs555516831, ClinGen allele CA1908228.